The following is an entry in ClinVar:

ClinVar aggregate classification (germline): Uncertain significance (1 of 4 stars; one submission).

gnomAD v4.1: 4 of 1,613,822 alleles (0.00025%); highest among the groups gnomAD compares: Non-Finnish European, 0.00034%; no homozygotes.

Submission:

Mayo Clinic Laboratories, Mayo Clinic
Classification: Uncertain significance. Last evaluated: 2025-04-14. Review status: criteria provided, single submitter. Criteria: ACMG Guidelines, 2015. Collection method: clinical testing. Allele origin: germline. Observed: 1 variant allele.
Comment: BP4_moderate, PM2_supporting

NM_000433.4(NCF2):c.1049T>C (p.Met350Thr)

Gene: NCF2 (neutrophil cytosolic factor 2; minus strand). Cytogenetic location: 1q25.3.
Variant type: single nucleotide variant.
Coding change: c.1049T>C on transcript NM_000433.4 (MANE Select); coding-DNA position 1049, T replaced by C.
Protein change: p.Met350Thr; replaces methionine 350 with threonine.
Molecular consequence: missense variant.
Genome position (GRCh38, 1-based): chr1:183,563,563, A>G on the plus strand (T>C on the coding strand, the complement: NCF2 is on the minus strand). VCF-style: chr1-183563563-A-G. GRCh37 (hg19) VCF-style: chr1-183532698-A-G.
Other names: p.Met350Thr; c.1049T>C, p.Met350Thr (NM_001127651.3); c.806T>C, p.Met269Thr (NM_001190789.2); c.914T>C, p.Met305Thr (NM_001190794.2); c.941T>C, p.Met314Thr (NM_001410895.1); short protein forms M305T, M350T, M269T, M314T.
Identifiers: ClinVar variation 4541970 (VCV004541970.1).
Genomic context (GRCh38, chr1:183,563,563, plus strand): 5'-AGCCCGGGCTGAGTCTTCATGACTACCGTGTACTTGTAGTGCACCTTGAGTGTGTAGGGC[A>G]TGGGAACACTGAGCTTCACTTCCTGAGTGGGGAGGAAACAAAGGGAACTCCTGAGTGTCT-3'
Protein context (NP_000424.2, residues 340-360): EPKEVKLSVP[Met350Thr]PYTLKVHYKY